The following is an entry in ClinVar:

NM_007194.4(CHEK2):c.927G>C (p.Leu309=)

Gene: CHEK2 (checkpoint kinase 2; minus strand). Cytogenetic location: 22q12.1.
Variant type: single nucleotide variant.
Coding change: c.927G>C on transcript NM_007194.4 (MANE Select); coding-DNA position 927, G replaced by C.
Protein change: p.Leu309=; no amino-acid change (leucine 309 retained).
Molecular consequence: synonymous variant.
Genome position (GRCh38, 1-based): chr22:28,699,919, C>G on the plus strand (G>C on the coding strand, the complement: CHEK2 is on the minus strand). VCF-style: chr22-28699919-C-G. GRCh37 (hg19) VCF-style: chr22-29095907-C-G.
Other names: c.1056G>C, p.Leu352= (NM_001005735.3); c.264G>C, p.Leu88= (NM_001257387.3); c.726G>C, p.Leu242= (NM_001349956.3); c.927G>C, p.Leu309= (NM_145862.3).
Identifiers: ClinVar variation 2452067 (VCV002452067.3), dbSNP rs746952353, ClinGen allele CA10167777.

ClinVar aggregate classification (germline): Benign/Likely benign. Review status: criteria provided, multiple submitters, no conflicts (2 of 4 stars). 2 submissions from 2 submitters: Benign (1); Likely benign (1). Last evaluated 2024-10-04.

Conditions:
Familial cancer of breast. Also called: BREAST CANCER, FAMILIAL; Hereditary breast cancer; hereditary breast carcinoma. Identifiers: Orphanet 227535, MedGen C0346153, MONDO:0016419, OMIM 114480. Disease mechanism: loss of function.
Hereditary cancer-predisposing syndrome. Also called: Neoplastic Syndromes, Hereditary; Tumor predisposition; Hereditary neoplastic syndrome; Hereditary Cancer Syndrome. Identifiers: Orphanet 140162, MedGen C0027672, MeSH D009386, MONDO:0015356.

Allele frequency attached by ClinVar (database versions not stated): gnomAD exomes below 0.00001; ExAC 0.00001.
gnomAD v4.1: 2 of 1,613,910 alleles (0.00012%); highest among the groups gnomAD compares: South Asian, 0.0011%; no homozygotes.

Submissions (2):

Myriad Genetics, Inc.
Classification: Benign for Familial cancer of breast. Last evaluated: 2024-10-04. Review status: criteria provided, single submitter. Criteria: Myriad Autosomal Dominant, Autosomal Recessive and X-Linked Classification Criteria (2023). Collection method: clinical testing. Allele origin: unknown.
Comment: This variant is considered benign. This variant is a silent/synonymous amino acid change and it is not expected to impact splicing.

Ambry Genetics
Classification: Likely benign for Hereditary cancer-predisposing syndrome. Last evaluated: 2022-11-04. Review status: criteria provided, single submitter. Criteria: Ambry Variant Classification Scheme 2023. Collection method: clinical testing. Allele origin: germline.